The following is an entry in ClinVar:

ClinVar aggregate classification (germline): Conflicting classifications of pathogenicity. Review status: criteria provided, conflicting classifications (1 of 4 stars). 3 submissions from 3 submitters: Uncertain significance (1); Likely benign (1). 1 of the submissions does not count toward it. Last evaluated 2022-08-20.

Conditions:
Carnitine palmitoyl transferase 1A deficiency. Also called: Carnitine palmitoyltransferase 1A deficiency; Carnitine palmitoyltransferase type I deficiency; CPT deficiency, hepatic, type IA; CPT I DEFICIENCY; CPT DEFICIENCY, HEPATIC, TYPE I. Identifiers: Orphanet 156, MedGen C1829703, MONDO:0009705, OMIM 255120.

Allele frequency attached by ClinVar (database versions not stated): ExAC 0.00001; gnomAD 0.00004; gnomAD exomes 0.00005 and 0.00026; TOPMed 0.00007.

Submissions (3):

Labcorp Genetics (formerly Invitae), Labcorp
Classification: Uncertain significance for Carnitine palmitoyl transferase 1A deficiency. Last evaluated: 2022-08-20. Review status: criteria provided, single submitter. Criteria: Invitae Variant Classification Sherloc (09022015). Collection method: clinical testing. Allele origin: germline.
Comment: This sequence change falls in intron 18 of the CPT1A gene. It does not directly change the encoded amino acid sequence of the CPT1A protein. It affects a nucleotide within the consensus splice site. This variant is present in population databases (rs755308448, gnomAD 0.01%). This variant has not been reported in the literature in individuals affected with CPT1A-related conditions. ClinVar contains an entry for this variant (Variation ID: 515758). Variants that disrupt the consensus splice site are a relatively common cause of aberrant splicing (PMID: 17576681, 9536098). Algorithms developed to predict the effect of sequence changes on RNA splicing suggest that this variant is not likely to affect RNA splicing. In summary, the available evidence is currently insufficient to determine the role of this variant in disease. Therefore, it has been classified as a Variant of Uncertain Significance.

GeneDx
Classification: Likely benign. Last evaluated: 2018-03-12. Review status: criteria provided, single submitter. Criteria: GeneDx Variant Classification (06012015). Collection method: clinical testing. Allele origin: germline. Affected: yes.
Comment: This variant is considered likely benign or benign based on one or more of the following criteria: it is a conservative change, it occurs at a poorly conserved position in the protein, it is predicted to be benign by multiple in silico algorithms, and/or has population frequency not consistent with disease.

Natera, Inc.
Classification: Uncertain significance for Carnitine palmitoyltransferase type I deficiency. Last evaluated: 2020-01-24. Review status: no assertion criteria provided. Collection method: clinical testing. Allele origin: germline. Not counted in ClinVar's aggregate classification.

Literature cited by the submitters: PubMed 17576681 (cited by Labcorp Genetics (formerly Invitae), Labcorp); PubMed 9536098 (cited by Labcorp Genetics (formerly Invitae), Labcorp).

NM_001876.4(CPT1A):c.2235+4T>C

Gene: CPT1A (carnitine palmitoyltransferase 1A; minus strand). Cytogenetic location: 11q13.3.
Variant type: single nucleotide variant.
Coding change: c.2235+4T>C on transcript NM_001876.4 (MANE Select); 4 bases into the intron after coding-DNA position 2235, T replaced by C.
Molecular consequence: intron variant.
Genome position (GRCh38, 1-based): chr11:68,759,565, A>G on the plus strand (T>C on the coding strand, the complement: CPT1A is on the minus strand). VCF-style: chr11-68759565-A-G. GRCh37 (hg19) VCF-style: chr11-68527033-A-G.
Other names: c.2235+4T>C (NM_001031847.3).
Identifiers: ClinVar variation 515758 (VCV000515758.6), dbSNP rs755308448, ClinGen allele CA6152040.